The following is an entry in ClinVar:

ClinVar aggregate classification (germline): Uncertain significance (1 of 4 stars; one submission).

Submission:

Labcorp Genetics (formerly Invitae), Labcorp
Classification: Uncertain significance. Last evaluated: 2024-10-18. Review status: criteria provided, single submitter. Criteria: Invitae Variant Classification Sherloc (09022015). Collection method: clinical testing. Allele origin: germline.
Comment: This sequence change falls in intron 4 of the KIF20A gene. It does not directly change the encoded amino acid sequence of the KIF20A protein. It affects a nucleotide within the consensus splice site. This variant is not present in population databases (gnomAD no frequency). This variant has not been reported in the literature in individuals affected with KIF20A-related conditions. Variants that disrupt the consensus splice site are a relatively common cause of aberrant splicing (PMID: 17576681, 9536098). Algorithms developed to predict the effect of sequence changes on RNA splicing suggest that this variant may disrupt the consensus splice site. In summary, the available evidence is currently insufficient to determine the role of this variant in disease. Therefore, it has been classified as a Variant of Uncertain Significance.

Literature cited by the submitters: PubMed 17576681; PubMed 9536098.

NM_005733.3(KIF20A):c.375+3A>G

Gene: KIF20A (kinesin family member 20A; plus strand). Cytogenetic location: 5q31.2.
Variant type: single nucleotide variant.
Coding change: c.375+3A>G on transcript NM_005733.3 (MANE Select); 3 bases into the intron after coding-DNA position 375, A replaced by G.
Molecular consequence: intron variant.
Genome position (GRCh38, 1-based): chr5:138,181,731, A>G. VCF-style: chr5-138181731-A-G. GRCh37 (hg19) VCF-style: chr5-137517420-A-G.
Identifiers: ClinVar variation 3723243 (VCV003723243.2).